The following is an entry in ClinVar:

ClinVar aggregate classification (germline): Uncertain significance. Review status: criteria provided, multiple submitters, no conflicts (2 of 4 stars). 2 submissions from 2 submitters: Uncertain significance (2). Last evaluated 2025-11-15.

Conditions:
Inborn genetic diseases. Identifiers: MedGen C0950123, MeSH D030342.
Aortic valve disease 2 (AOVD2). Identifiers: MedGen C3542024, MONDO:0013902, OMIM 614823.

Allele frequency attached by ClinVar (database versions not stated): gnomAD exomes 0.00003; TOPMed 0.00005.
gnomAD v4.1: 56 of 1,410,768 alleles (0.004%); highest among the groups gnomAD compares: Non-Finnish European, 0.0051%; no homozygotes.

Submissions (2):

Ambry Genetics
Classification: Uncertain significance for Inborn genetic diseases. Last evaluated: 2025-11-15. Review status: criteria provided, single submitter. Criteria: Ambry Variant Classification Scheme 2023. Collection method: clinical testing. Allele origin: germline.
Comment: The p.P45R variant (also known as c.134C>G), located in coding exon 1 of the SMAD6 gene, results from a C to G substitution at nucleotide position 134. The proline at codon 45 is replaced by arginine, an amino acid with dissimilar properties. This amino acid position is conserved. In addition, this alteration is predicted to be tolerated by in silico analysis. Since supporting evidence is limited at this time, the clinical significance of this alteration remains unclear.

Labcorp Genetics (formerly Invitae), Labcorp
Classification: Uncertain significance for Aortic valve disease 2. Last evaluated: 2025-10-07. Review status: criteria provided, single submitter. Criteria: Invitae Variant Classification Sherloc (09022015). Collection method: clinical testing. Allele origin: germline.
Comment: This sequence change replaces proline, which is neutral and non-polar, with arginine, which is basic and polar, at codon 45 of the SMAD6 protein (p.Pro45Arg). This variant is present in population databases (no rsID available, gnomAD 0.004%). This variant has not been reported in the literature in individuals affected with SMAD6-related conditions. ClinVar contains an entry for this variant (Variation ID: 935045). An algorithm developed to predict the effect of missense changes on protein structure and function (PolyPhen-2) suggests that this variant is likely to be tolerated. In summary, the available evidence is currently insufficient to determine the role of this variant in disease. Therefore, it has been classified as a Variant of Uncertain Significance.

NM_005585.5(SMAD6):c.134C>G (p.Pro45Arg)

Gene: SMAD6 (SMAD family member 6; plus strand). Cytogenetic location: 15q22.31.
Variant type: single nucleotide variant.
Coding change: c.134C>G on transcript NM_005585.5 (MANE Select); coding-DNA position 134, C replaced by G.
Protein change: p.Pro45Arg; replaces proline 45 with arginine.
Molecular consequence: missense variant. On other transcripts: non-coding transcript variant (1).
Genome position (GRCh38, 1-based): chr15:66,703,392, C>G. VCF-style: chr15-66703392-C-G. GRCh37 (hg19) VCF-style: chr15-66995730-C-G.
Other names: short protein forms P45R.
Identifiers: ClinVar variation 935045 (VCV000935045.11), dbSNP rs1027280912, ClinGen allele CA271682655.